The following is an entry in ClinVar:

NM_001136191.3(KANK2):c.1521-7T>A

Gene: KANK2 (KN motif and ankyrin repeat domains 2; minus strand). Cytogenetic location: 19p13.2.
Variant type: single nucleotide variant.
Coding change: c.1521-7T>A on transcript NM_001136191.3 (MANE Select); 7 bases into the intron before coding-DNA position 1521, T replaced by A.
Molecular consequence: intron variant.
Genome position (GRCh38, 1-based): chr19:11,176,824, A>T on the plus strand (T>A on the coding strand, the complement: KANK2 is on the minus strand). VCF-style: chr19-11176824-A-T. GRCh37 (hg19) VCF-style: chr19-11287500-A-T.
Other names: c.1545-7T>A (NM_001379552.1, NM_001379553.1, NM_001379554.1 and 5 more transcripts); c.1521-7T>A (NM_001379562.1, NM_001379563.1, NM_001329451.2 and 7 more transcripts).
Identifiers: ClinVar variation 3036088 (VCV003036088.2), dbSNP rs2512651700, ClinGen allele CA2740091876.

ClinVar aggregate classification (germline): Likely benign (0 of 4 stars; one submission).

Conditions:
KANK2-related disorder. Also called: KANK2-related condition.

Submission:

PreventionGenetics, part of Exact Sciences
Classification: Likely benign for KANK2-related condition. Last evaluated: 2020-08-04. Review status: no assertion criteria provided. Collection method: clinical testing. Allele origin: germline.
Comment: This variant is classified as likely benign based on ACMG/AMP sequence variant interpretation guidelines (Richards et al. 2015 PMID: 25741868, with internal and published modifications).